The following is an entry in ClinVar:

NM_031935.3(HMCN1):c.560A>T (p.Glu187Val)

Gene: HMCN1 (hemicentin 1; plus strand). Cytogenetic location: 1q31.1.
Variant type: single nucleotide variant.
Coding change: c.560A>T on transcript NM_031935.3 (MANE Select); coding-DNA position 560, A replaced by T.
Protein change: p.Glu187Val; replaces glutamic acid 187 with valine.
Molecular consequence: missense variant.
Genome position (GRCh38, 1-based): chr1:185,865,802, A>T. VCF-style: chr1-185865802-A-T. GRCh37 (hg19) VCF-style: chr1-185834934-A-T.
Other names: short protein forms E187V.
Identifiers: ClinVar variation 3284459 (VCV003284459.3).
Genomic context (GRCh38, chr1:185,865,802, plus strand): 5'-TCGTATTTGTTCTGACTGGAGATTGTGATGACAGGACCCATATTGGATATAAAGTCTATG[A>T]AGAAATTGCCTCTACAAGTTCTGGTCAAGTGTTCCATCTGGACAAAAAACAAGTTAATGA-3'
Protein context (NP_114141.2, residues 177-197): DRTHIGYKVY[Glu187Val]EIASTSSGQV

ClinVar aggregate classification (germline): Uncertain significance. Review status: criteria provided, multiple submitters, no conflicts (2 of 4 stars). 2 submissions from 2 submitters: Uncertain significance (2). Last evaluated 2024-04-01.

gnomAD v4.1: 8 of 1,612,802 alleles (0.0005%); highest among the groups gnomAD compares: Non-Finnish European, 0.00068%; no homozygotes.

Submissions (2):

Ambry Genetics
Classification: Uncertain significance. Last evaluated: 2024-04-01. Review status: criteria provided, single submitter. Criteria: Ambry Variant Classification Scheme 2023. Collection method: clinical testing. Allele origin: germline.

Labcorp Genetics (formerly Invitae), Labcorp
Classification: Uncertain significance. Last evaluated: 2024-02-15. Review status: criteria provided, single submitter. Criteria: Invitae Variant Classification Sherloc (09022015). Collection method: clinical testing. Allele origin: germline.
Comment: This sequence change replaces glutamic acid, which is acidic and polar, with valine, which is neutral and non-polar, at codon 187 of the HMCN1 protein (p.Glu187Val). The frequency data for this variant in the population databases is considered unreliable, as metrics indicate poor data quality at this position in the gnomAD database. This variant has not been reported in the literature in individuals affected with HMCN1-related conditions. An algorithm developed to predict the effect of missense changes on protein structure and function (PolyPhen-2) suggests that this variant is likely to be disruptive. In summary, the available evidence is currently insufficient to determine the role of this variant in disease. Therefore, it has been classified as a Variant of Uncertain Significance.